The following is an entry in ClinVar:

NM_006766.5(KAT6A):c.1004T>C (p.Ile335Thr)

Gene: KAT6A (lysine acetyltransferase 6A; minus strand). Cytogenetic location: 8p11.21.
Variant type: single nucleotide variant.
Coding change: c.1004T>C on transcript NM_006766.5 (MANE Select); coding-DNA position 1004, T replaced by C.
Protein change: p.Ile335Thr; replaces isoleucine 335 with threonine.
Molecular consequence: missense variant.
Genome position (GRCh38, 1-based): chr8:41,978,681, A>G on the plus strand (T>C on the coding strand, the complement: KAT6A is on the minus strand). VCF-style: chr8-41978681-A-G. GRCh37 (hg19) VCF-style: chr8-41836199-A-G.
Other names: c.1004T>C, p.Ile335Thr (NM_001305878.2); short protein forms I335T.
Identifiers: ClinVar variation 2631187 (VCV002631187.3), dbSNP rs1019104290, ClinGen allele CA371076658.
Genomic context (GRCh38, chr8:41,978,681, plus strand): 5'-CTTGCCACAAGTACAACTTACACCGTGTTTTGTTTCTTTAACCTGTTTTTTGGACGTCCT[A>G]TTGGATTAGTATAGCGCCGTTTTATCTGTGCTGCCTTCTTTTGTAGAAGTTTTCGTCCTT-3'
Protein context (NP_006757.2, residues 325-345): AQIKRRYTNP[Ile335Thr]GRPKNRLKKQ

ClinVar aggregate classification (germline): Uncertain significance (0 of 4 stars; one submission).

Conditions:
KAT6A-related disorder. Also called: KAT6A-related condition.

gnomAD v4.1: 2 of 1,613,940 alleles (0.00012%); highest among the groups gnomAD compares: Admixed American, 0.0017%; no homozygotes.

Submission:

PreventionGenetics, part of Exact Sciences
Classification: Uncertain significance for KAT6A-related condition. Last evaluated: 2024-02-16. Review status: no assertion criteria provided. Collection method: clinical testing. Allele origin: germline.
Comment: The KAT6A c.1004T>C variant is predicted to result in the amino acid substitution p.Ile335Thr. To our knowledge, this variant has not been reported in the literature or in a large population database, indicating this variant is rare. At this time, the clinical significance of this variant is uncertain due to the absence of conclusive functional and genetic evidence.